The following is an entry in ClinVar:

ClinVar aggregate classification (germline): Likely benign. Review status: criteria provided, multiple submitters, no conflicts (2 of 4 stars). 3 submissions from 3 submitters: Likely benign (2). 1 of the submissions does not count toward it. Last evaluated 2025-06-09.

Conditions:
COL18A1-related disorder. Also called: COL18A1-related disorders; COL18A1-related condition.

Allele frequency attached by ClinVar (database versions not stated): gnomAD exomes 0.00004 and 0.00006; ExAC 0.00008; gnomAD 0.00009 and 0.00011; TOPMed 0.00013; 1000 Genomes Project 30x 0.00016; 1000 Genomes Project 0.00020.
gnomAD v4.1: 104 of 1,588,698 alleles (0.0065%); highest among the groups gnomAD compares: African/African-American, 0.017%; no homozygotes.

Submissions (3):

Labcorp Genetics (formerly Invitae), Labcorp
Classification: Likely benign. Last evaluated: 2025-06-09. Review status: criteria provided, single submitter. Criteria: Invitae Variant Classification Sherloc (09022015). Collection method: clinical testing. Allele origin: germline.

Blueprint Genetics
Classification: Likely benign. Last evaluated: 2024-03-14. Review status: criteria provided, single submitter. Criteria: ACMG Guidelines, 2015. Collection method: clinical testing. Allele origin: germline.

PreventionGenetics, part of Exact Sciences
Classification: Likely benign for COL18A1-related condition. Last evaluated: 2024-09-05. Review status: no assertion criteria provided. Collection method: clinical testing. Allele origin: germline. Not counted in ClinVar's aggregate classification.
Comment: This variant is classified as likely benign based on ACMG/AMP sequence variant interpretation guidelines (Richards et al. 2015 PMID: 25741868, with internal and published modifications).

NM_001379500.1(COL18A1):c.1995C>T (p.Pro665=)

Gene: COL18A1 (collagen type XVIII alpha 1 chain; plus strand). Cytogenetic location: 21q22.3.
Variant type: single nucleotide variant.
Coding change: c.1995C>T on transcript NM_001379500.1 (MANE Select); coding-DNA position 1995, C replaced by T.
Protein change: p.Pro665=; no amino-acid change (proline 665 retained).
Molecular consequence: synonymous variant.
Genome position (GRCh38, 1-based): chr21:45,490,310, C>T. VCF-style: chr21-45490310-C-T. GRCh37 (hg19) VCF-style: chr21-46910224-C-T.
Other names: c.2535C>T (NM_030582.3); c.2535C>T, p.Pro845= (NM_030582.4); c.3240C>T, p.Pro1080= (NM_130444.3).
Identifiers: ClinVar variation 1567701 (VCV001567701.10), dbSNP rs185089648, ClinGen allele CA10066736.
Genomic context (GRCh38, chr21:45,490,310, plus strand): 5'-TGCGTCCTCCATGTGACCCTTTCAGGGAGAAGTTGGAGCAGATGGAGTCCCCGGGTTCCC[C>T]GGCCTCCCTGGCAGAGAGGGCATTGCTGGGCCCCAGGTGAGTTGCCTTGGTGGGCCCAGG-3'
Protein context (NP_001366429.1, residues 655-675): EVGADGVPGF[Pro665=]GLPGREGIAG